The following is an entry in ClinVar:

NM_000548.5(TSC2):c.2371T>A (p.Cys791Ser)

Gene: TSC2 (TSC complex subunit 2; plus strand). Cytogenetic location: 16p13.3.
Variant type: single nucleotide variant.
Coding change: c.2371T>A on transcript NM_000548.5 (MANE Select); coding-DNA position 2371, T replaced by A.
Protein change: p.Cys791Ser; replaces cysteine 791 with serine.
Molecular consequence: missense variant. On other transcripts: non-coding transcript variant (5).
Genome position (GRCh38, 1-based): chr16:2,074,215, T>A. VCF-style: chr16-2074215-T-A. GRCh37 (hg19) VCF-style: chr16-2124216-T-A.
Other names: c.2371T>A, p.Cys791Ser (NM_001077183.3, NM_001114382.3, NM_001363528.2 and 6 more transcripts); c.2260T>A, p.Cys754Ser (NM_001318827.2, NM_001406670.1, NM_001406678.1); c.2224T>A, p.Cys742Ser (NM_001318829.2, NM_001406675.1, NM_001406676.1 and 1 more transcripts); c.1771T>A, p.Cys591Ser (NM_001318831.2, NM_001406680.1, NM_001406682.1 and 6 more transcripts); c.2404T>A, p.Cys802Ser (NM_001318832.2); c.2461T>A, p.Cys821Ser (NM_001406667.1, NM_001406668.1); c.2359T>A, p.Cys787Ser (NM_001406671.1, NM_001406673.1); c.2314T>A, p.Cys772Ser (NM_001406677.1); and 3 more; short protein forms C257S, C343S, C591S, C637S, C742S, C754S, C772S, C787S.
Identifiers: ClinVar variation 3232114 (VCV003232114.1), dbSNP rs2543812230, ClinGen allele CA394276993.

ClinVar aggregate classification (germline): Uncertain significance (1 of 4 stars; one submission).

Conditions:
Hereditary cancer-predisposing syndrome. Also called: Neoplastic Syndromes, Hereditary; Tumor predisposition; Hereditary neoplastic syndrome; Hereditary Cancer Syndrome. Identifiers: Orphanet 140162, MedGen C0027672, MeSH D009386, MONDO:0015356.

Submission:

Ambry Genetics
Classification: Uncertain significance for Hereditary cancer-predisposing syndrome. Last evaluated: 2023-12-21. Review status: criteria provided, single submitter. Criteria: Ambry Variant Classification Scheme 2023. Collection method: clinical testing. Allele origin: germline.
Comment: The p.C791S variant (also known as c.2371T>A), located in coding exon 21 of the TSC2 gene, results from a T to A substitution at nucleotide position 2371. The cysteine at codon 791 is replaced by serine, an amino acid with dissimilar properties. This amino acid position is highly conserved in available vertebrate species. In addition, this alteration is predicted to be deleterious by in silico analysis. Since supporting evidence is limited at this time, the clinical significance of this alteration remains unclear.